The following is an entry in ClinVar:

NM_015602.4(TOR1AIP1):c.455G>A (p.Arg152Gln)

Genes: TOR1AIP1 (torsin 1A interacting protein 1; plus strand), LOC112577517 (Sharpr-MPRA regulatory region 13766; plus strand). Cytogenetic location: 1q25.2.
Variant type: single nucleotide variant.
Coding change: c.455G>A on transcript NM_015602.4 (MANE Select); coding-DNA position 455, G replaced by A.
Protein change: p.Arg152Gln; replaces arginine 152 with glutamine.
Molecular consequence: missense variant.
Genome position (GRCh38, 1-based): chr1:179,882,957, G>A. VCF-style: chr1-179882957-G-A. GRCh37 (hg19) VCF-style: chr1-179852092-G-A.
Other names: c.455G>A, p.Arg152Gln (NM_001267578.2); c.455G>A (NM_015602.2); short protein forms R152Q.
Identifiers: ClinVar variation 971234 (VCV000971234.10), dbSNP rs773422033, ClinGen allele CA1268760.

ClinVar aggregate classification (germline): Uncertain significance. Review status: criteria provided, multiple submitters, no conflicts (2 of 4 stars). 4 submissions from 4 submitters: Uncertain significance (4). Last evaluated 2025-03-17.

Conditions:
Autosomal recessive limb-girdle muscular dystrophy type 2Y (MRRSDC). Also called: Muscular dystrophy, autosomal recessive, with rigid spine and distal joint contractures; Muscular dystrophy, limb-girdle, type 2y. Identifiers: Orphanet 424261, MedGen C4511482, MONDO:0014900, OMIM 617072.
Inborn genetic diseases. Identifiers: MedGen C0950123, MeSH D030342.

Allele frequency attached by ClinVar (database versions not stated): gnomAD 0.00001; gnomAD exomes 0.00001 and 0.00003; TOPMed 0.00003; ExAC 0.00004.
gnomAD v4.1: 19 of 1,612,748 alleles (0.0012%); highest among the groups gnomAD compares: Admixed American, 0.0017%; no homozygotes.

Submissions (4):

Ambry Genetics
Classification: Uncertain significance for Inborn genetic diseases. Last evaluated: 2025-03-17. Review status: criteria provided, single submitter. Criteria: Ambry Variant Classification Scheme 2023. Collection method: clinical testing. Allele origin: germline.

Genome-Nilou Lab
Classification: Uncertain significance for Autosomal recessive limb-girdle muscular dystrophy type 2Y. Last evaluated: 2023-04-11. Review status: criteria provided, single submitter. Criteria: ACMG Guidelines, 2015. Collection method: clinical testing. Allele origin: germline. Affected: no.

Labcorp Genetics (formerly Invitae), Labcorp
Classification: Uncertain significance for Autosomal recessive limb-girdle muscular dystrophy type 2Y. Last evaluated: 2022-12-06. Review status: criteria provided, single submitter. Criteria: Invitae Variant Classification Sherloc (09022015). Collection method: clinical testing. Allele origin: germline.
Comment: ClinVar contains an entry for this variant (Variation ID: 971234). Advanced modeling of protein sequence and biophysical properties (such as structural, functional, and spatial information, amino acid conservation, physicochemical variation, residue mobility, and thermodynamic stability) performed at Invitae indicates that this missense variant is not expected to disrupt TOR1AIP1 protein function. In summary, the available evidence is currently insufficient to determine the role of this variant in disease. Therefore, it has been classified as a Variant of Uncertain Significance. This sequence change replaces arginine, which is basic and polar, with glutamine, which is neutral and polar, at codon 152 of the TOR1AIP1 protein (p.Arg152Gln). This variant is present in population databases (rs773422033, gnomAD 0.006%). This variant has not been reported in the literature in individuals affected with TOR1AIP1-related conditions.

Revvity Omics, Revvity
Classification: Uncertain significance. Last evaluated: 2019-08-08. Review status: criteria provided, single submitter. Criteria: ACMG Guidelines, 2015. Collection method: clinical testing. Allele origin: germline.